The following is an entry in ClinVar:

NC_000013.11:g.76991975G>A

Gene: CLN5 (CLN5 lysosomal BMP synthase; plus strand). Cytogenetic location: 13q22.3.
Variant type: single nucleotide variant.
Molecular consequence: synonymous variant (on NM_006493.2).
Genome position: GRCh38 VCF-style: chr13-76991975-G-A. GRCh37 (hg19) VCF-style: chr13-77566110-G-A.
Other names: c.24G>A, p.Gly8= (NM_006493.2).
Identifiers: ClinVar variation 515004 (VCV000515004.10), dbSNP rs751533177, ClinGen allele CA7007067.

ClinVar aggregate classification (germline): Likely benign. Review status: criteria provided, multiple submitters, no conflicts (2 of 4 stars). 3 submissions from 3 submitters: Likely benign (3). Last evaluated 2026-01-25.

Conditions:
Neuronal ceroid lipofuscinosis. Also called: Neuronal Ceroid Lipofuscinoses. Identifiers: Orphanet 216, Orphanet 79263, MedGen C0027877, MONDO:0016295. Disease mechanism: loss of function.

Allele frequency attached by ClinVar (database versions not stated): gnomAD 0.00001.

Submissions (3):

Labcorp Genetics (formerly Invitae), Labcorp
Classification: Likely benign for Neuronal ceroid lipofuscinosis. Last evaluated: 2026-01-25. Review status: criteria provided, single submitter. Criteria: Invitae Variant Classification Sherloc (09022015). Collection method: clinical testing. Allele origin: germline.

Blueprint Genetics
Classification: Likely benign. Last evaluated: 2022-02-04. Review status: criteria provided, single submitter. Criteria: ACMG Guidelines, 2015. Collection method: clinical testing. Allele origin: germline.

GeneDx
Classification: Likely benign. Last evaluated: 2018-01-23. Review status: criteria provided, single submitter. Criteria: GeneDx Variant Classification (06012015). Collection method: clinical testing. Allele origin: germline. Affected: yes.
Comment: This variant is considered likely benign or benign based on one or more of the following criteria: it is a conservative change, it occurs at a poorly conserved position in the protein, it is predicted to be benign by multiple in silico algorithms, and/or has population frequency not consistent with disease.